The following is an entry in ClinVar:

NM_000384.3(APOB):c.4395G>A (p.Met1465Ile)

Gene: APOB (apolipoprotein B; minus strand). Cytogenetic location: 2p24.1.
Variant type: single nucleotide variant.
Coding change: c.4395G>A on transcript NM_000384.3 (MANE Select); coding-DNA position 4395, G replaced by A.
Protein change: p.Met1465Ile; replaces methionine 1465 with isoleucine.
Molecular consequence: missense variant.
Genome position (GRCh38, 1-based): chr2:21,012,473, C>T on the plus strand (G>A on the coding strand, the complement: APOB is on the minus strand). VCF-style: chr2-21012473-C-T. GRCh37 (hg19) VCF-style: chr2-21235345-C-T.
Other names: short protein forms M1465I.
Identifiers: ClinVar variation 5026893 (VCV005026893.1).

ClinVar aggregate classification (germline): Uncertain significance (1 of 4 stars; one submission).

Conditions:
Cardiovascular phenotype. Identifiers: MedGen CN230736.

Submission:

Ambry Genetics
Classification: Uncertain significance for Cardiovascular phenotype. Last evaluated: 2026-06-22. Review status: criteria provided, single submitter. Criteria: Ambry Variant Classification Scheme 2023. Collection method: clinical testing. Allele origin: germline.
Comment: The p.M1465I variant (also known as c.4395G>A), located in coding exon 26 of the APOB gene, results from a G to A substitution at nucleotide position 4395. The methionine at codon 1465 is replaced by isoleucine, an amino acid with highly similar properties. This amino acid position is conserved. In addition, this alteration is predicted to be tolerated by in silico analysis. Based on the available evidence, the clinical significance of this variant remains unclear.